The following is an entry in ClinVar:

ClinVar aggregate classification (germline): Likely pathogenic (1 of 4 stars; one submission).

Submission:

Labcorp Genetics (formerly Invitae), Labcorp
Classification: Likely pathogenic. Last evaluated: 2024-01-10. Review status: criteria provided, single submitter. Criteria: Invitae Variant Classification Sherloc (09022015). Collection method: clinical testing. Allele origin: germline.
Comment: This sequence change affects an acceptor splice site in intron 14 of the MTTP gene. It is expected to disrupt RNA splicing. Variants that disrupt the donor or acceptor splice site typically lead to a loss of protein function (PMID: 16199547), and loss-of-function variants in MTTP are known to be pathogenic (PMID: 8533758, 9671739). This variant is not present in population databases (gnomAD no frequency). This variant has not been reported in the literature in individuals affected with MTTP-related conditions. Algorithms developed to predict the effect of sequence changes on RNA splicing suggest that this variant may disrupt the consensus splice site. In summary, the currently available evidence indicates that the variant is pathogenic, but additional data are needed to prove that conclusively. Therefore, this variant has been classified as Likely Pathogenic.

Literature cited by the submitters: PubMed 16199547; PubMed 8533758; PubMed 9671739.

NM_001386140.1(MTTP):c.1868-1G>A

Gene: MTTP (microsomal triglyceride transfer protein; plus strand). Cytogenetic location: 4q23.
Variant type: single nucleotide variant.
Coding change: c.1868-1G>A on transcript NM_001386140.1 (MANE Select); the canonical splice acceptor site of the intron before coding-DNA position 1868, G replaced by A.
Molecular consequence: splice acceptor variant.
Genome position (GRCh38, 1-based): chr4:99,611,331, G>A. VCF-style: chr4-99611331-G-A. GRCh37 (hg19) VCF-style: chr4-100532488-G-A.
Other names: c.1868-1G>A (NM_000253.4); c.1619-1G>A (NM_001300785.2).
Identifiers: ClinVar variation 2765356 (VCV002765356.3), dbSNP rs2476145662, ClinGen allele CA357515714.